The following is an entry in ClinVar:

ClinVar aggregate classification (germline): Uncertain significance (1 of 4 stars; one submission).

Submission:

GeneDx
Classification: Uncertain significance. Last evaluated: 2026-03-10. Review status: criteria provided, single submitter. Criteria: GeneDx Variant Classification Process June 2021. Collection method: clinical testing. Allele origin: germline.
Comment: Not observed at significant frequency in large population cohorts (gnomAD); In silico analysis suggests that this missense variant does not alter protein structure/function; Has not been previously published as pathogenic or benign to our knowledge

NM_015001.3(SPEN):c.9155C>T (p.Thr3052Ile)

Gene: SPEN (spen family transcriptional repressor; plus strand). Cytogenetic location: 1p36.13.
Variant type: single nucleotide variant.
Coding change: c.9155C>T on transcript NM_015001.3 (MANE Select); coding-DNA position 9155, C replaced by T.
Protein change: p.Thr3052Ile; replaces threonine 3052 with isoleucine.
Molecular consequence: missense variant.
Genome position (GRCh38, 1-based): chr1:15,935,395, C>T. VCF-style: chr1-15935395-C-T. GRCh37 (hg19) VCF-style: chr1-16261890-C-T.
Other names: short protein forms T3052I.
Identifiers: ClinVar variation 5008977 (VCV005008977.1).